The following is an entry in ClinVar:

ClinVar aggregate classification (germline): Uncertain significance. Review status: criteria provided, multiple submitters, no conflicts (2 of 4 stars). 10 submissions from 9 submitters: Uncertain significance (9). 1 of the submissions does not count toward it. Last evaluated 2026-01-25.

Conditions:
FH-related disorder. Also called: FH-related disorders; FH-related condition.
Hereditary leiomyomatosis and renal cell cancer. Also called: Familial leiomyomatosis; MULTIPLE CUTANEOUS AND UTERINE LEIOMYOMATA 1, WITH OR WITHOUT RENAL CELL CARCINOMA; FH tumor predisposition syndrome; LEIOMYOMA, MULTIPLE CUTANEOUS; Reed syndrome; Multiple cutaneous and uterine leiomyomatosis. Identifiers: Orphanet 523, MedGen C1708350, MONDO:0007888, OMIM 150800, HP:0007437. Disease mechanism: loss of function.
Fumarase deficiency (FMRD). Also called: Fumaric aciduria; Fumarate Hydratase Deficiency. Identifiers: Orphanet 24, MedGen C0342770, MONDO:0011730, OMIM 606812.
Hereditary cancer-predisposing syndrome. Also called: Tumor predisposition; Hereditary neoplastic syndrome; Neoplastic Syndromes, Hereditary; Hereditary Cancer Syndrome. Identifiers: Orphanet 140162, MedGen C0027672, MeSH D009386, MONDO:0015356.

Allele frequency attached by ClinVar (database versions not stated): ExAC 0.00002; gnomAD 0.00003 and 0.00004; gnomAD exomes 0.00003 and 0.00007; TOPMed 0.00003.
gnomAD v4.1: 113 of 1,614,060 alleles (0.007%); highest among the groups gnomAD compares: Non-Finnish European, 0.0087%; no homozygotes.

Submissions (10):

Labcorp Genetics (formerly Invitae), Labcorp
Classification: Uncertain significance. Last evaluated: 2026-01-25. Review status: criteria provided, single submitter. Criteria: Invitae Variant Classification Sherloc (09022015). Collection method: clinical testing. Allele origin: germline.
Comment: This sequence change replaces valine, which is neutral and non-polar, with alanine, which is neutral and non-polar, at codon 306 of the FH protein (p.Val306Ala). This variant is present in population databases (rs147991516, gnomAD 0.006%). This variant has not been reported in the literature in individuals affected with FH-related conditions. ClinVar contains an entry for this variant (Variation ID: 460382). Invitae Evidence Modeling of protein sequence and biophysical properties (such as structural, functional, and spatial information, amino acid conservation, physicochemical variation, residue mobility, and thermodynamic stability) has been performed for this missense variant. However, the output from this modeling did not meet the statistical confidence thresholds required to predict the impact of this variant on FH protein function. In summary, the available evidence is currently insufficient to determine the role of this variant in disease. Therefore, it has been classified as a Variant of Uncertain Significance.

PreventionGenetics, part of Exact Sciences
Classification: Uncertain significance for FH-related condition. Last evaluated: 2025-12-17. Review status: criteria provided, single submitter. Criteria: ACMG Guidelines, 2015. Collection method: clinical testing. Allele origin: germline.
Comment: The FH c.917T>C variant is predicted to result in the amino acid substitution p.Val306Ala. To our knowledge, this variant has not been reported in the literature. This variant is reported in 0.0062% of alleles in individuals of European (Non-Finnish) descent in gnomAD and is classified as uncertain in ClinVar (Variation ID: 460382). At this time, the clinical significance of this variant is uncertain due to the absence of conclusive functional and genetic evidence.

Ambry Genetics
Classification: Uncertain significance for Hereditary cancer-predisposing syndrome. Last evaluated: 2025-06-27. Review status: criteria provided, single submitter. Criteria: Ambry Variant Classification Scheme 2023. Collection method: clinical testing. Allele origin: germline.
Comment: The p.V306A variant (also known as c.917T>C), located in coding exon 7 of the FH gene, results from a T to C substitution at nucleotide position 917. The valine at codon 306 is replaced by alanine, an amino acid with similar properties. This amino acid position is well conserved in available vertebrate species. In addition, this alteration is predicted to be deleterious by in silico analysis. Since supporting evidence is limited at this time, the clinical significance of this alteration remains unclear.

GeneDx
Classification: Uncertain significance. Last evaluated: 2024-08-07. Review status: criteria provided, single submitter. Criteria: GeneDx Variant Classification Process June 2021. Collection method: clinical testing. Allele origin: germline. Affected: yes.
Comment: Not observed at significant frequency in large population cohorts (gnomAD); In silico analysis indicates that this missense variant does not alter protein structure/function; Has not been previously published as pathogenic or benign to our knowledge

Baylor Genetics
Classification: Uncertain significance for Fumarase deficiency. Last evaluated: 2024-03-12. Review status: criteria provided, single submitter. Criteria: ACMG Guidelines, 2015. Collection method: clinical testing. Allele origin: unknown.

Quest Diagnostics Nichols Institute San Juan Capistrano
Classification: Uncertain significance. Last evaluated: 2022-09-06. Review status: criteria provided, single submitter. Criteria: Quest Diagnostics criteria. Collection method: clinical testing. Allele origin: unknown.
Comment: The variant has not been reported in the published literature. The frequency of this variant in the general population, 0.000062 (7/113374 chromosomes), is uninformative in assessment of its pathogenicity. Analysis of this variant using bioinformatics tools for the prediction of the effect of amino acid changes on protein structure and function yielded predictions that this variant is damaging. Based on the available information, we are unable to determine the clinical significance of this variant.

Fulgent Genetics
Classification: Uncertain significance for Hereditary leiomyomatosis and renal cell cancer; Fumarase deficiency. Last evaluated: 2021-12-08. Review status: criteria provided, single submitter. Criteria: ACMG Guidelines, 2015. Collection method: clinical testing. Allele origin: unknown.

Illumina Laboratory Services, Illumina
Classification: Uncertain significance for Hereditary leiomyomatosis and renal cell cancer. Last evaluated: 2017-04-27. Review status: criteria provided, single submitter. Criteria: ICSL Variant Classification Criteria 13 December 2019. Collection method: clinical testing. Allele origin: germline.

Illumina Laboratory Services, Illumina
Classification: Uncertain significance for Fumarase deficiency. Last evaluated: 2017-04-27. Review status: criteria provided, single submitter. Criteria: ICSL Variant Classification Criteria 13 December 2019. Collection method: clinical testing. Allele origin: germline.

Natera, Inc.
Classification: Uncertain significance for Fumarase Deficiency. Last evaluated: 2020-08-17. Review status: no assertion criteria provided. Collection method: clinical testing. Allele origin: germline. Not counted in ClinVar's aggregate classification.

NM_000143.4(FH):c.917T>C (p.Val306Ala)

Gene: FH (fumarate hydratase; minus strand). Cytogenetic location: 1q43.
Variant type: single nucleotide variant.
Coding change: c.917T>C on transcript NM_000143.4 (MANE Select); coding-DNA position 917, T replaced by C.
Protein change: p.Val306Ala; replaces valine 306 with alanine.
Molecular consequence: missense variant.
Genome position (GRCh38, 1-based): chr1:241,504,233, A>G on the plus strand (T>C on the coding strand, the complement: FH is on the minus strand). VCF-style: chr1-241504233-A-G. GRCh37 (hg19) VCF-style: chr1-241667533-A-G.
Other names: short protein forms V306A.
Identifiers: ClinVar variation 460382 (VCV000460382.33), dbSNP rs147991516, ClinGen allele CA1478573.